The following is an entry in ClinVar:

ClinVar aggregate classification (germline): Likely benign. Review status: criteria provided, multiple submitters, no conflicts (2 of 4 stars). 2 submissions from 2 submitters: Likely benign (2). Last evaluated 2018-06-19.

Allele frequency attached by ClinVar (database versions not stated): 1000 Genomes Project 0.00379; 1000 Genomes Project 30x 0.00390; TOPMed 0.00969; gnomAD 0.01035 and 0.01083; gnomAD exomes 0.01353.
gnomAD v4.1: 10,373 of 810,434 alleles (1.3%); highest among the groups gnomAD compares: Non-Finnish European, 1.8%; 101 homozygotes.

Submissions (2):

GeneDx
Classification: Likely benign. Last evaluated: 2018-06-19. Review status: criteria provided, single submitter. Criteria: GeneDx Variant Classification (06012015). Collection method: clinical testing. Allele origin: germline. Affected: yes.
Comment: This variant is considered likely benign or benign based on one or more of the following criteria: it is a conservative change, it occurs at a poorly conserved position in the protein, it is predicted to be benign by multiple in silico algorithms, and/or has population frequency not consistent with disease.

Breakthrough Genomics
Classification: Likely benign. Review status: criteria provided, single submitter. Criteria: ACMG Guidelines, 2015. Collection method: not provided. Allele origin: germline. Inheritance: Autosomal recessive inheritance. Affected: yes.

NM_004369.4(COL6A3):c.6816+137G>A

Gene: COL6A3 (collagen type VI alpha 3 chain; minus strand). Cytogenetic location: 2q37.3.
Variant type: single nucleotide variant.
Coding change: c.6816+137G>A on transcript NM_004369.4 (MANE Select); 137 bases into the intron after coding-DNA position 6816, G replaced by A.
Molecular consequence: intron variant.
Genome position (GRCh38, 1-based): chr2:237,350,993, C>T on the plus strand (G>A on the coding strand, the complement: COL6A3 is on the minus strand). VCF-style: chr2-237350993-C-T. GRCh37 (hg19) VCF-style: chr2-238259636-C-T.
Other names: c.4995+137G>A (NM_057166.5); c.6198+137G>A (NM_057167.4).
Identifiers: ClinVar variation 681332 (VCV000681332.2), dbSNP rs150628086, ClinGen allele CA67846446.